The following is an entry in ClinVar:

ClinVar aggregate classification (germline): Uncertain significance. Review status: criteria provided, multiple submitters, no conflicts (2 of 4 stars). 2 submissions from 2 submitters: Uncertain significance (2). Last evaluated 2023-11-06.

Conditions:
Joubert syndrome. Also called: CEREBELLOPARENCHYMAL DISORDER IV; JOUBERT-BOLTSHAUSER SYNDROME; Familial aplasia of the vermis. Identifiers: Orphanet 475, MedGen C5979921, MONDO:0018772.
Joubert syndrome 3 (JBTS3). Also called: AHI1-related Ciliopathy. Identifiers: Orphanet 220493, MedGen C1837713, MONDO:0012078, OMIM 608629.

Allele frequency attached by ClinVar (database versions not stated): ExAC 0.00003; gnomAD exomes 0.00003 and 0.00004; gnomAD 0.00004; ESP Exome Variant Server 0.00017.
gnomAD v4.1: 59 of 1,613,722 alleles (0.0037%); highest among the groups gnomAD compares: Non-Finnish European, 0.0045%; no homozygotes.

Submissions (2):

Labcorp Genetics (formerly Invitae), Labcorp
Classification: Uncertain significance for Joubert syndrome. Last evaluated: 2023-11-06. Review status: criteria provided, single submitter. Criteria: Invitae Variant Classification Sherloc (09022015). Collection method: clinical testing. Allele origin: germline.
Comment: This sequence change replaces arginine, which is basic and polar, with glutamine, which is neutral and polar, at codon 1079 of the AHI1 protein (p.Arg1079Gln). This variant is present in population databases (rs371242173, gnomAD 0.006%). This variant has not been reported in the literature in individuals affected with AHI1-related conditions. ClinVar contains an entry for this variant (Variation ID: 1390440). Advanced modeling of protein sequence and biophysical properties (such as structural, functional, and spatial information, amino acid conservation, physicochemical variation, residue mobility, and thermodynamic stability) performed at Invitae indicates that this missense variant is not expected to disrupt AHI1 protein function with a negative predictive value of 95%. In summary, the available evidence is currently insufficient to determine the role of this variant in disease. Therefore, it has been classified as a Variant of Uncertain Significance.

Fulgent Genetics
Classification: Uncertain significance for Joubert syndrome 3. Last evaluated: 2021-11-22. Review status: criteria provided, single submitter. Criteria: ACMG Guidelines, 2015. Collection method: clinical testing. Allele origin: unknown.

NM_001134831.2(AHI1):c.3236G>A (p.Arg1079Gln)

Gene: AHI1 (Abelson helper integration site 1; minus strand). Cytogenetic location: 6q23.3.
Variant type: single nucleotide variant.
Coding change: c.3236G>A on transcript NM_001134831.2 (MANE Select); coding-DNA position 3236, G replaced by A.
Protein change: p.Arg1079Gln; replaces arginine 1079 with glutamine.
Molecular consequence: missense variant.
Genome position (GRCh38, 1-based): chr6:135,323,254, C>T on the plus strand (G>A on the coding strand, the complement: AHI1 is on the minus strand). VCF-style: chr6-135323254-C-T. GRCh37 (hg19) VCF-style: chr6-135644392-C-T.
Other names: c.3236G>A, p.Arg1079Gln (NM_001134830.2, NM_001350503.2, NM_001350504.2 and 1 more transcripts); short protein forms R1079Q.
Identifiers: ClinVar variation 1390440 (VCV001390440.7), dbSNP rs371242173, ClinGen allele CA4012061.